The following is an entry in ClinVar:

ClinVar aggregate classification (germline): Uncertain significance. Review status: criteria provided, multiple submitters, no conflicts (2 of 4 stars). 2 submissions from 2 submitters: Uncertain significance (2). Last evaluated 2025-10-19.

Allele frequency attached by ClinVar (database versions not stated): ExAC 0.00001; gnomAD 0.00001 and 0.00002; gnomAD exomes 0.00001 and 0.00003; TOPMed 0.00002; ESP Exome Variant Server 0.00008.
gnomAD v4.1: 23 of 1,614,036 alleles (0.0014%); highest among the groups gnomAD compares: Non-Finnish European, 0.0019%; no homozygotes.

Submissions (2):

Labcorp Genetics (formerly Invitae), Labcorp
Classification: Uncertain significance. Last evaluated: 2025-10-19. Review status: criteria provided, single submitter. Criteria: Invitae Variant Classification Sherloc (09022015). Collection method: clinical testing. Allele origin: germline.
Comment: This sequence change replaces tyrosine, which is neutral and polar, with histidine, which is basic and polar, at codon 286 of the OAS1 protein (p.Tyr286His). This variant is present in population databases (rs376237127, gnomAD 0.004%). This variant has not been reported in the literature in individuals affected with OAS1-related conditions. ClinVar contains an entry for this variant (Variation ID: 1367243). An algorithm developed to predict the effect of missense changes on protein structure and function (PolyPhen-2) suggests that this variant is likely to be disruptive. In summary, the available evidence is currently insufficient to determine the role of this variant in disease. Therefore, it has been classified as a Variant of Uncertain Significance.

Ambry Genetics
Classification: Uncertain significance. Last evaluated: 2025-08-09. Review status: criteria provided, single submitter. Criteria: Ambry Variant Classification Scheme 2023. Collection method: clinical testing. Allele origin: germline.

NM_016816.4(OAS1):c.856T>C (p.Tyr286His)

Gene: OAS1 (2'-5'-oligoadenylate synthetase 1; plus strand). Cytogenetic location: 12q24.13.
Variant type: single nucleotide variant.
Coding change: c.856T>C on transcript NM_016816.4 (MANE Select); coding-DNA position 856, T replaced by C.
Protein change: p.Tyr286His; replaces tyrosine 286 with histidine.
Molecular consequence: missense variant.
Genome position (GRCh38, 1-based): chr12:112,916,710, T>C. VCF-style: chr12-112916710-T-C. GRCh37 (hg19) VCF-style: chr12-113354515-T-C.
Other names: c.856T>C (NM_016816.2); c.856T>C, p.Tyr286His (NM_001032409.3, NM_001320151.2, NM_002534.4); short protein forms Y286H.
Identifiers: ClinVar variation 1367243 (VCV001367243.7), dbSNP rs376237127, ClinGen allele CA6799900.